The following is an entry in ClinVar:

NM_014780.5(CUL7):c.3463-1G>T

Gene: CUL7 (cullin 7; minus strand). Cytogenetic location: 6p21.1.
Variant type: single nucleotide variant.
Coding change: c.3463-1G>T on transcript NM_014780.5 (MANE Select); the canonical splice acceptor site of the intron before coding-DNA position 3463, G replaced by T.
Molecular consequence: splice acceptor variant.
Genome position (GRCh38, 1-based): chr6:43,042,985, C>A on the plus strand (G>T on the coding strand, the complement: CUL7 is on the minus strand). VCF-style: chr6-43042985-C-A. GRCh37 (hg19) VCF-style: chr6-43010723-C-A.
Other names: c.3559-1G>T (NM_001168370.2, NM_001374872.1); c.3460-1G>T (NM_001374874.1); c.3463-1G>T (NM_001374873.1).
Identifiers: ClinVar variation 2849804 (VCV002849804.3), dbSNP rs2532629067, ClinGen allele CA364203152.

ClinVar aggregate classification (germline): Likely pathogenic (1 of 4 stars; one submission).

gnomAD v4.1: 8 of 1,614,170 alleles (0.0005%); highest among the groups gnomAD compares: Non-Finnish European, 0.00068%; no homozygotes.

Submission:

Labcorp Genetics (formerly Invitae), Labcorp
Classification: Likely pathogenic. Last evaluated: 2023-07-27. Review status: criteria provided, single submitter. Criteria: Invitae Variant Classification Sherloc (09022015). Collection method: clinical testing. Allele origin: germline.
Comment: This variant is not present in population databases (gnomAD no frequency). In summary, the currently available evidence indicates that the variant is pathogenic, but additional data are needed to prove that conclusively. Therefore, this variant has been classified as Likely Pathogenic. Algorithms developed to predict the effect of sequence changes on RNA splicing suggest that this variant may disrupt the consensus splice site. This variant has not been reported in the literature in individuals affected with CUL7-related conditions. This sequence change affects an acceptor splice site in intron 18 of the CUL7 gene. It is expected to disrupt RNA splicing. Variants that disrupt the donor or acceptor splice site typically lead to a loss of protein function (PMID: 16199547), and loss-of-function variants in CUL7 are known to be pathogenic (PMID: 16142236, 17675530, 19225462).

Literature cited by the submitters: PubMed 16199547; PubMed 16142236; PubMed 17675530; PubMed 19225462.